The following is an entry in ClinVar:

NM_000057.4(BLM):c.2426A>G (p.Gln809Arg)

Gene: BLM (BLM RecQ like helicase; plus strand). Cytogenetic location: 15q26.1.
Variant type: single nucleotide variant.
Coding change: c.2426A>G on transcript NM_000057.4 (MANE Select); coding-DNA position 2426, A replaced by G.
Protein change: p.Gln809Arg; replaces glutamine 809 with arginine.
Molecular consequence: missense variant.
Genome position (GRCh38, 1-based): chr15:90,769,457, A>G. VCF-style: chr15-90769457-A-G. GRCh37 (hg19) VCF-style: chr15-91312687-A-G.
Other names: c.2426A>G, p.Gln809Arg (NM_001287246.2, NM_001287247.2); c.1301A>G, p.Gln434Arg (NM_001287248.2); short protein forms Q434R, Q809R.
Identifiers: ClinVar variation 3261046 (VCV003261046.1).

ClinVar aggregate classification (germline): Uncertain significance (1 of 4 stars; one submission).

Conditions:
Hereditary cancer-predisposing syndrome. Also called: Hereditary Cancer Syndrome; Tumor predisposition; Hereditary neoplastic syndrome; Neoplastic Syndromes, Hereditary. Identifiers: Orphanet 140162, MedGen C0027672, MeSH D009386, MONDO:0015356.

Submission:

Ambry Genetics
Classification: Uncertain significance for Hereditary cancer-predisposing syndrome. Last evaluated: 2024-05-29. Review status: criteria provided, single submitter. Criteria: Ambry Variant Classification Scheme 2023. Collection method: clinical testing. Allele origin: germline.
Comment: The p.Q809R variant (also known as c.2426A>G), located in coding exon 11 of the BLM gene, results from an A to G substitution at nucleotide position 2426. The glutamine at codon 809 is replaced by arginine, an amino acid with highly similar properties. This amino acid position is conserved. In addition, this alteration is predicted to be tolerated by in silico analysis. Based on the available evidence, the clinical significance of this variant remains unclear.